The following is an entry in ClinVar:

ClinVar aggregate classification (germline): Uncertain significance (1 of 4 stars; one submission).

Allele frequency attached by ClinVar (database versions not stated): TOPMed below 0.00001.
gnomAD v4.1: 1 of 1,613,842 alleles (0.000062%); no homozygotes.

Submission:

Labcorp Genetics (formerly Invitae), Labcorp
Classification: Uncertain significance. Last evaluated: 2022-08-28. Review status: criteria provided, single submitter. Criteria: Invitae Variant Classification Sherloc (09022015). Collection method: clinical testing. Allele origin: germline.
Comment: In summary, the available evidence is currently insufficient to determine the role of this variant in disease. Therefore, it has been classified as a Variant of Uncertain Significance. Algorithms developed to predict the effect of missense changes on protein structure and function output the following: SIFT: "Tolerated"; PolyPhen-2: "Benign"; Align-GVGD: "Class C0". The glutamic acid amino acid residue is found in multiple mammalian species, which suggests that this missense change does not adversely affect protein function. This variant has not been reported in the literature in individuals affected with AK7-related conditions. This variant is not present in population databases (gnomAD no frequency). This sequence change replaces glycine, which is neutral and non-polar, with glutamic acid, which is acidic and polar, at codon 222 of the AK7 protein (p.Gly222Glu).

NM_152327.5(AK7):c.665G>A (p.Gly222Glu)

Gene: AK7 (adenylate kinase 7; plus strand). Cytogenetic location: 14q32.2.
Variant type: single nucleotide variant.
Coding change: c.665G>A on transcript NM_152327.5 (MANE Select); coding-DNA position 665, G replaced by A.
Protein change: p.Gly222Glu; replaces glycine 222 with glutamic acid.
Molecular consequence: missense variant.
Genome position (GRCh38, 1-based): chr14:96,437,890, G>A. VCF-style: chr14-96437890-G-A. GRCh37 (hg19) VCF-style: chr14-96904227-G-A.
Other names: c.665G>A, p.Gly222Glu (NM_001350888.2, NM_001350890.2, NM_001350891.2 and 1 more transcripts); short protein forms G222E.
Identifiers: ClinVar variation 1968734 (VCV001968734.5), dbSNP rs1405497122, ClinGen allele CA390923523.